The following is an entry in ClinVar:

NM_001378122.1(SH3D19):c.2083C>T (p.Arg695Cys)

Gene: SH3D19 (SH3 domain containing 19; minus strand). Cytogenetic location: 4q31.3.
Variant type: single nucleotide variant.
Coding change: c.2083C>T on transcript NM_001378122.1 (MANE Select); coding-DNA position 2083, C replaced by T.
Protein change: p.Arg695Cys; replaces arginine 695 with cysteine.
Molecular consequence: missense variant.
Genome position (GRCh38, 1-based): chr4:151,144,050, G>A on the plus strand (C>T on the coding strand, the complement: SH3D19 is on the minus strand). VCF-style: chr4-151144050-G-A. GRCh37 (hg19) VCF-style: chr4-152065202-G-A.
Other names: c.1312C>T, p.Arg438Cys (NM_001009555.4, NM_001378126.1, NM_001378127.1); c.1243C>T, p.Arg415Cys (NM_001128923.2, NM_001243349.2, NM_001378128.1 and 3 more transcripts); c.1135C>T, p.Arg379Cys (NM_001128924.2); c.2152C>T, p.Arg718Cys (NM_001378121.1); c.1975C>T, p.Arg659Cys (NM_001378123.1); c.1906C>T, p.Arg636Cys (NM_001378124.1); short protein forms R379C, R415C, R438C, R636C, R659C, R695C, R718C.
Identifiers: ClinVar variation 3034592 (VCV003034592.2), dbSNP rs146575678, ClinGen allele CA3104602.
Genomic context (GRCh38, chr4:151,144,050, plus strand): 5'-CCTTTTGGCACTCCAAGTAATTATTTTCCGTCTGCTTCAGCATCACAAGTACATCCCCAC[G>A]CTGCAAGGTACAATACCACTCTCTGAAGCAATTATTATTTAATAAAACATTATTACTTTT-3'
Protein context (NP_001365051.1, residues 685-705): PGHPLYSKYM[Arg695Cys]GDVLVMLKQT

ClinVar aggregate classification (germline): Likely benign (0 of 4 stars; one submission).

Conditions:
SH3D19-related disorder. Also called: SH3D19-related condition.

Allele frequency attached by ClinVar (database versions not stated): gnomAD exomes 0.00016; ExAC 0.00047; ESP Exome Variant Server 0.00108; 1000 Genomes Project 0.00140; 1000 Genomes Project 30x 0.00156; TOPMed 0.00200; gnomAD 0.00201.
gnomAD v4.1: 550 of 1,612,960 alleles (0.034%); highest among the groups gnomAD compares: African/African-American, 0.66%; 4 homozygotes.

Submission:

PreventionGenetics, part of Exact Sciences
Classification: Likely benign for SH3D19-related condition. Last evaluated: 2019-08-09. Review status: no assertion criteria provided. Collection method: clinical testing. Allele origin: germline.
Comment: This variant is classified as likely benign based on ACMG/AMP sequence variant interpretation guidelines (Richards et al. 2015 PMID: 25741868, with internal and published modifications).